The following is an entry in ClinVar:

NM_182972.3(IRF2BP2):c.1507C>T (p.Pro503Ser)

Gene: IRF2BP2 (interferon regulatory factor 2 binding protein 2; minus strand). Cytogenetic location: 1q42.3.
Variant type: single nucleotide variant.
Coding change: c.1507C>T on transcript NM_182972.3 (MANE Select); coding-DNA position 1507, C replaced by T.
Protein change: p.Pro503Ser; replaces proline 503 with serine.
Molecular consequence: missense variant.
Genome position (GRCh38, 1-based): chr1:234,607,394, G>A on the plus strand (C>T on the coding strand, the complement: IRF2BP2 is on the minus strand). VCF-style: chr1-234607394-G-A. GRCh37 (hg19) VCF-style: chr1-234743140-G-A.
Other names: c.1459C>T, p.Pro487Ser (NM_001077397.1); short protein forms P487S, P503S.
Identifiers: ClinVar variation 2770820 (VCV002770820.3), dbSNP rs2528513720, ClinGen allele CA345305352.

ClinVar aggregate classification (germline): Uncertain significance (1 of 4 stars; one submission).

Allele frequency attached by ClinVar (database versions not stated): gnomAD exomes below 0.00001.
gnomAD v4.1: 3 of 1,614,136 alleles (0.00019%); highest among the groups gnomAD compares: Non-Finnish European, 0.00025%; no homozygotes.

Submission:

Labcorp Genetics (formerly Invitae), Labcorp
Classification: Uncertain significance. Last evaluated: 2023-10-22. Review status: criteria provided, single submitter. Criteria: Invitae Variant Classification Sherloc (09022015). Collection method: clinical testing. Allele origin: germline.
Comment: This sequence change replaces proline, which is neutral and non-polar, with serine, which is neutral and polar, at codon 503 of the IRF2BP2 protein (p.Pro503Ser). This variant is not present in population databases (gnomAD no frequency). This variant has not been reported in the literature in individuals affected with IRF2BP2-related conditions. An algorithm developed to predict the effect of missense changes on protein structure and function (PolyPhen-2) suggests that this variant is likely to be disruptive. In summary, the available evidence is currently insufficient to determine the role of this variant in disease. Therefore, it has been classified as a Variant of Uncertain Significance.